The following is an entry in ClinVar:

ClinVar aggregate classification (germline): Uncertain significance. Review status: criteria provided, multiple submitters, no conflicts (2 of 4 stars). 2 submissions from 2 submitters: Uncertain significance (2). Last evaluated 2024-10-02.

Allele frequency attached by ClinVar (database versions not stated): gnomAD exomes below 0.00001; ExAC 0.00001.
gnomAD v4.1: 1 of 1,613,832 alleles (0.000062%); highest among the groups gnomAD compares: Non-Finnish European, 0.000085%; no homozygotes.

Submissions (2):

GeneDx
Classification: Uncertain significance. Last evaluated: 2024-10-02. Review status: criteria provided, single submitter. Criteria: GeneDx Variant Classification Process June 2021. Collection method: clinical testing. Allele origin: germline. Affected: yes.
Comment: Not observed at significant frequency in large population cohorts (gnomAD); In silico analysis supports that this missense variant has a deleterious effect on protein structure/function; Has not been previously published as pathogenic or benign to our knowledge

Labcorp Genetics (formerly Invitae), Labcorp
Classification: Uncertain significance. Last evaluated: 2022-05-10. Review status: criteria provided, single submitter. Criteria: Invitae Variant Classification Sherloc (09022015). Collection method: clinical testing. Allele origin: germline.
Comment: This sequence change replaces arginine, which is basic and polar, with glutamine, which is neutral and polar, at codon 546 of the CUL3 protein (p.Arg546Gln). This variant is present in population databases (rs770136825, gnomAD 0.0009%). This variant has not been reported in the literature in individuals affected with CUL3-related conditions. Algorithms developed to predict the effect of missense changes on protein structure and function (SIFT, PolyPhen-2, Align-GVGD) all suggest that this variant is likely to be disruptive. In summary, the available evidence is currently insufficient to determine the role of this variant in disease. Therefore, it has been classified as a Variant of Uncertain Significance.

NM_003590.5(CUL3):c.1637G>A (p.Arg546Gln)

Gene: CUL3 (cullin 3; minus strand). Cytogenetic location: 2q36.2.
Variant type: single nucleotide variant.
Coding change: c.1637G>A on transcript NM_003590.5 (MANE Select); coding-DNA position 1637, G replaced by A.
Protein change: p.Arg546Gln; replaces arginine 546 with glutamine.
Molecular consequence: missense variant.
Genome position (GRCh38, 1-based): chr2:224,497,823, C>T on the plus strand (G>A on the coding strand, the complement: CUL3 is on the minus strand). VCF-style: chr2-224497823-C-T. GRCh37 (hg19) VCF-style: chr2-225362540-C-T.
Other names: c.1439G>A, p.Arg480Gln (NM_001257197.2); c.1655G>A, p.Arg552Gln (NM_001257198.2); c.1637G>A (NM_003590.4); short protein forms R480Q, R552Q, R546Q.
Identifiers: ClinVar variation 1959561 (VCV001959561.6), dbSNP rs770136825, ClinGen allele CA2139918.
Genomic context (GRCh38, chr2:224,497,823, plus strand): 5'-GGTCCATAAAATGTGGCATTGAGATCTGCAGAACCCATATGATGCTGGAGTGTGAGCTGT[C>T]GACCACTGTGTTTGGCTAAGTAGAACCTTCAGTAAATCAAACCAGGTTTTAGAAAATCAA-3'
Protein context (NP_003581.1, residues 536-556): RRFYLAKHSG[Arg546Gln]QLTLQHHMGS